The following is an entry in ClinVar:

NM_001330588.2(TPP2):c.3610G>A (p.Val1204Ile)

Gene: TPP2 (tripeptidyl peptidase 2; plus strand). Cytogenetic location: 13q33.1.
Variant type: single nucleotide variant.
Coding change: c.3610G>A on transcript NM_001330588.2 (MANE Select); coding-DNA position 3610, G replaced by A.
Protein change: p.Val1204Ile; replaces valine 1204 with isoleucine.
Molecular consequence: missense variant. On other transcripts: non-coding transcript variant (1).
Genome position (GRCh38, 1-based): chr13:102,676,326, G>A. VCF-style: chr13-102676326-G-A. GRCh37 (hg19) VCF-style: chr13-103328676-G-A.
Other names: c.3697G>A, p.Val1233Ile (NM_001367947.1); c.3571G>A, p.Val1191Ile (NM_003291.4); short protein forms V1204I, V1233I, V1191I.
Identifiers: ClinVar variation 2125236 (VCV002125236.4), dbSNP rs2504144294, ClinGen allele CA388471644.

ClinVar aggregate classification (germline): Uncertain significance (1 of 4 stars; one submission).

Conditions:
Evans syndrome, immunodeficiency, and premature immunosenescence associated with tripeptidyl-peptidase II deficiency. Identifiers: MedGen CN231723. Disease mechanism: loss of function.

Submission:

Labcorp Genetics (formerly Invitae), Labcorp
Classification: Uncertain significance for Evans syndrome, immunodeficiency, and premature immunosenescence associated with tripeptidyl-peptidase II deficiency. Last evaluated: 2022-09-12. Review status: criteria provided, single submitter. Criteria: Invitae Variant Classification Sherloc (09022015). Collection method: clinical testing. Allele origin: germline.
Comment: In summary, the available evidence is currently insufficient to determine the role of this variant in disease. Therefore, it has been classified as a Variant of Uncertain Significance. Algorithms developed to predict the effect of missense changes on protein structure and function (SIFT, PolyPhen-2, Align-GVGD) all suggest that this variant is likely to be tolerated. This variant has not been reported in the literature in individuals affected with TPP2-related conditions. This variant is not present in population databases (gnomAD no frequency). This sequence change replaces valine, which is neutral and non-polar, with isoleucine, which is neutral and non-polar, at codon 1191 of the TPP2 protein (p.Val1191Ile).